The following is an entry in ClinVar:

ClinVar aggregate classification (germline): Uncertain significance. Review status: criteria provided, single submitter (1 of 4 stars). 2 submissions from 2 submitters: Uncertain significance (1). 1 of the submissions does not count toward it. Last evaluated 2024-08-11.

Conditions:
Inborn genetic diseases. Identifiers: MedGen C0950123, MeSH D030342.
BAZ2B-related disorder. Also called: BAZ2B-related condition.

Allele frequency attached by ClinVar (database versions not stated): gnomAD exomes below 0.00001; gnomAD 0.00001; TOPMed 0.00001.
gnomAD v4.1: 4 of 1,545,478 alleles (0.00026%); highest among the groups gnomAD compares: Admixed American, 0.0018%; no homozygotes.

Submissions (2):

Ambry Genetics
Classification: Uncertain significance for Inborn genetic diseases. Last evaluated: 2024-08-11. Review status: criteria provided, single submitter. Criteria: Ambry Variant Classification Scheme 2023. Collection method: clinical testing. Allele origin: germline.

PreventionGenetics, part of Exact Sciences
Classification: Uncertain significance for BAZ2B-related condition. Last evaluated: 2024-05-08. Review status: no assertion criteria provided. Collection method: clinical testing. Allele origin: germline. Not counted in ClinVar's aggregate classification.
Comment: The BAZ2B c.2899C>G variant is predicted to result in the amino acid substitution p.Gln967Glu. To our knowledge, this variant has not been reported in the literature. This variant is reported in 0.00094% of alleles in individuals of European (non-Finnish) descent in gnomAD. At this time, the clinical significance of this variant is uncertain due to the absence of conclusive functional and genetic evidence.

NM_013450.4(BAZ2B):c.3007C>G (p.Gln1003Glu)

Gene: BAZ2B (bromodomain adjacent to zinc finger domain 2B; minus strand). Cytogenetic location: 2q24.2.
Variant type: single nucleotide variant.
Coding change: c.3007C>G on transcript NM_013450.4 (MANE Select); coding-DNA position 3007, C replaced by G.
Protein change: p.Gln1003Glu; replaces glutamine 1003 with glutamic acid.
Molecular consequence: missense variant.
Genome position (GRCh38, 1-based): chr2:159,397,347, G>C on the plus strand (C>G on the coding strand, the complement: BAZ2B is on the minus strand). VCF-style: chr2-159397347-G-C. GRCh37 (hg19) VCF-style: chr2-160253858-G-C.
Other names: c.2899C>G, p.Gln967Glu (NM_001289975.1); c.2818C>G, p.Gln940Glu (NM_001329857.2); c.2905C>G, p.Gln969Glu (NM_001329858.2); c.3007C>G (NM_013450.2); short protein forms Q1003E, Q940E, Q967E, Q969E.
Identifiers: ClinVar variation 2633373 (VCV002633373.3), dbSNP rs1242916990, ClinGen allele CA348934976.
Genomic context (GRCh38, chr2:159,397,347, plus strand): 5'-GTTTAAGCAATATTATAAAATGTACATTCAACAATTGTATAACTATACATATACAGACCT[G>C]ATGTTTCAGAAGAACAGCTTGTTGTCTTCTCATTTCTTTTTCCTTAAAAATAAGAAACTT-3'
Protein context (NP_038478.2, residues 993-1013): RRQQAVLLKH[Gln1003Glu]ERERRRQHMM